The following is an entry in ClinVar:

ClinVar aggregate classification (germline): Uncertain significance (1 of 4 stars; one submission).

Conditions:
Intellectual developmental disorder, X-linked 30. Also called: MENTAL RETARDATION, X-LINKED 47; Intellectual disability, X-linked 30. Identifiers: Orphanet 777, MedGen C0796237, MONDO:0010361, OMIM 300558.

Submission:

Daryl Scott Lab, Baylor College of Medicine
Classification: Uncertain significance for Intellectual developmental disorder, X-linked 30. Review status: criteria provided, single submitter. Criteria: ACMG Guidelines, 2015. Collection method: clinical testing. Allele origin: unknown. Affected: yes. Observed: 1 hemizygote.
Comment: PM2, PP3

NM_002578.5(PAK3):c.242A>C (p.His81Pro)

Gene: PAK3 (p21 (RAC1) activated kinase 3; plus strand). Cytogenetic location: Xq23.
Variant type: single nucleotide variant.
Coding change: c.242A>C on transcript NM_002578.5 (MANE Select); coding-DNA position 242, A replaced by C.
Protein change: p.His81Pro; replaces histidine 81 with proline.
Molecular consequence: missense variant. On other transcripts: non-coding transcript variant (2).
Genome position (GRCh38, 1-based): chrX:111,142,162, A>C. VCF-style: chrX-111142162-A-C. GRCh37 (hg19) VCF-style: chrX-110385390-A-C.
Other names: c.242A>C, p.His81Pro (NM_001128166.3, NM_001128167.3, NM_001128168.3 and 12 more transcripts); short protein forms H81P.
Identifiers: ClinVar variation 4279674 (VCV004279674.1).